The following is an entry in ClinVar:

NM_002291.3(LAMB1):c.3700C>G (p.Leu1234Val)

Gene: LAMB1 (laminin subunit beta 1; minus strand). Cytogenetic location: 7q31.1.
Variant type: single nucleotide variant.
Coding change: c.3700C>G on transcript NM_002291.3 (MANE Select); coding-DNA position 3700, C replaced by G.
Protein change: p.Leu1234Val; replaces leucine 1234 with valine.
Molecular consequence: missense variant.
Genome position (GRCh38, 1-based): chr7:107,940,050, G>C on the plus strand (C>G on the coding strand, the complement: LAMB1 is on the minus strand). VCF-style: chr7-107940050-G-C. GRCh37 (hg19) VCF-style: chr7-107580495-G-C.
Other names: short protein forms L1234V.
Identifiers: ClinVar variation 1313811 (VCV001313811.2), dbSNP rs748765397, ClinGen allele CA4435251.

ClinVar aggregate classification (germline): Uncertain significance (1 of 4 stars; one submission).

Allele frequency attached by ClinVar (database versions not stated): ExAC 0.00001; gnomAD exomes 0.00002.
gnomAD v4.1: 8 of 1,614,020 alleles (0.0005%); highest among the groups gnomAD compares: Admixed American, 0.0083%; no homozygotes.

Submission:

GeneDx
Classification: Uncertain significance. Last evaluated: 2021-01-04. Review status: criteria provided, single submitter. Criteria: GeneDx Variant Classification Process June 2021. Collection method: clinical testing. Allele origin: germline. Affected: yes.
Comment: Not observed at a significant frequency in large population cohorts (Lek et al., 2016); In silico analysis supports that this missense variant does not alter protein structure/function; Has not been previously published as pathogenic or benign to our knowledge